The following is an entry in ClinVar:

ClinVar aggregate classification (germline): Uncertain significance (1 of 4 stars; one submission).

Conditions:
Hereditary cancer-predisposing syndrome. Also called: Neoplastic Syndromes, Hereditary; Tumor predisposition; Hereditary Cancer Syndrome; Hereditary neoplastic syndrome. Identifiers: Orphanet 140162, MedGen C0027672, MeSH D009386, MONDO:0015356.

Submission:

Ambry Genetics
Classification: Uncertain significance for Hereditary cancer-predisposing syndrome. Last evaluated: 2026-01-14. Review status: criteria provided, single submitter. Criteria: Ambry Variant Classification Scheme 2023. Collection method: clinical testing. Allele origin: germline.
Comment: The p.Q262E variant (also known as c.784C>G), located in coding exon 7 of the EPCAM gene, results from a C to G substitution at nucleotide position 784. The glutamine at codon 262 is replaced by glutamic acid, an amino acid with highly similar properties. This amino acid position is conserved. In addition, this alteration is predicted to be tolerated by in silico analysis. Based on the available evidence, the clinical significance of this variant remains unclear.

NM_002354.3(EPCAM):c.784C>G (p.Gln262Glu)

Gene: EPCAM (epithelial cell adhesion molecule; plus strand). Cytogenetic location: 2p21.
Variant type: single nucleotide variant.
Coding change: c.784C>G on transcript NM_002354.3 (MANE Select); coding-DNA position 784, C replaced by G.
Protein change: p.Gln262Glu; replaces glutamine 262 with glutamic acid.
Molecular consequence: missense variant.
Genome position (GRCh38, 1-based): chr2:47,379,895, C>G. VCF-style: chr2-47379895-C-G. GRCh37 (hg19) VCF-style: chr2-47607034-C-G.
Other names: short protein forms Q262E.
Identifiers: ClinVar variation 4834776 (VCV004834776.1).